The following is an entry in ClinVar:

NM_000080.4(CHRNE):c.*65C>T

Gene: CHRNE (cholinergic receptor nicotinic epsilon subunit; minus strand). Cytogenetic location: 17p13.2.
Variant type: single nucleotide variant.
Coding change: c.*65C>T on transcript NM_000080.4 (MANE Select); 65 bases downstream of the stop codon, C replaced by T.
Molecular consequence: 3 prime UTR variant.
Genome position (GRCh38, 1-based): chr17:4,898,671, G>A on the plus strand (C>T on the coding strand, the complement: CHRNE is on the minus strand). VCF-style: chr17-4898671-G-A. GRCh37 (hg19) VCF-style: chr17-4801966-G-A.
Other names: c.*65C>T (LRG_1254t1).
Identifiers: ClinVar variation 323974 (VCV000323974.10), dbSNP rs56067981, ClinGen allele CA10640015.

ClinVar aggregate classification (germline): Benign. Review status: criteria provided, multiple submitters, no conflicts (2 of 4 stars). 6 submissions from 4 submitters: Benign (6). Last evaluated 2021-07-10.

Conditions:
Congenital myasthenic syndrome 4B. Also called: Myasthenic syndrome, congenital, 4b, fast-channel. Identifiers: Orphanet 590, MedGen C4225369, MONDO:0014586, OMIM 616324.
Congenital myasthenic syndrome (CMS). Also called: Congenital Myasthenic Syndromes. Identifiers: Orphanet 590, MedGen C0751882, MeSH D020294, MONDO:0018940.
Congenital myasthenic syndrome 4A. Also called: Myasthenic syndrome, congenital, 4a, slow-channel; CONGENITAL MYASTHENIC SYNDROME TYPE Ia1; MYASTHENIC SYNDROME, CONGENITAL, 4A, SLOW-CHANNEL, AUTOSOMAL RECESSIVE. Identifiers: Orphanet 590, MedGen C4225413, MONDO:0011600, OMIM 605809.
Congenital myasthenic syndrome 4C (CMS4C). Also called: Myasthenic syndrome, congenital, associated with acetylcholine receptor deficiency. Identifiers: Orphanet 590, MedGen C1837091, MONDO:0012157, OMIM 608931.

Allele frequency attached by ClinVar (database versions not stated): 1000 Genomes Project 30x 0.04919; 1000 Genomes Project 0.05012; TOPMed 0.06293; gnomAD 0.07310 and 0.07414.
gnomAD v4.1: 130,767 of 1,555,484 alleles (8.4%); highest among the groups gnomAD compares: Non-Finnish European, 9.2%; 5,916 homozygotes.

Submissions (6):

Genome-Nilou Lab
Classification: Benign for Congenital myasthenic syndrome 4B. Last evaluated: 2021-07-10. Review status: criteria provided, single submitter. Criteria: ACMG Guidelines, 2015. Collection method: clinical testing. Allele origin: germline. Affected: no.

Genome-Nilou Lab
Classification: Benign for Congenital myasthenic syndrome 4C. Last evaluated: 2021-07-10. Review status: criteria provided, single submitter. Criteria: ACMG Guidelines, 2015. Collection method: clinical testing. Allele origin: germline. Affected: no.

Genome-Nilou Lab
Classification: Benign for Congenital myasthenic syndrome 4A. Last evaluated: 2021-07-10. Review status: criteria provided, single submitter. Criteria: ACMG Guidelines, 2015. Collection method: clinical testing. Allele origin: germline. Affected: no.

GeneDx
Classification: Benign. Last evaluated: 2018-07-28. Review status: criteria provided, single submitter. Criteria: GeneDx Variant Classification Process June 2021. Collection method: clinical testing. Allele origin: germline. Affected: yes.

Illumina Laboratory Services, Illumina
Classification: Benign for Congenital myasthenic syndrome. Last evaluated: 2018-01-13. Review status: criteria provided, single submitter. Criteria: ICSL Variant Classification Criteria 13 December 2019. Collection method: clinical testing. Allele origin: germline.
Comment: This variant was observed in the ICSL laboratory as part of a predisposition screen in an ostensibly healthy population. It had not been previously curated by ICSL or reported in the Human Gene Mutation Database (HGMD: prior to June 1st, 2018), and was therefore a candidate for classification through an automated scoring system. Utilizing variant allele frequency, disease prevalence and penetrance estimates, and inheritance mode, an automated score was calculated to assess if this variant is too frequent to cause the disease. Based on the score and internal cut-off values, a variant classified as benign is not then subjected to further curation. The score for this variant resulted in a classification of benign for this disease.

Breakthrough Genomics
Classification: Benign. Review status: criteria provided, single submitter. Criteria: ACMG Guidelines, 2015. Collection method: not provided. Allele origin: germline. Inheritance: Autosomal recessive inheritance. Affected: yes.